The following is an entry in ClinVar:

NM_002579.3(PALM):c.32A>C (p.Gln11Pro)

Gene: PALM (paralemmin; plus strand). Cytogenetic location: 19p13.3.
Variant type: single nucleotide variant.
Coding change: c.32A>C on transcript NM_002579.3 (MANE Select); coding-DNA position 32, A replaced by C.
Protein change: p.Gln11Pro; replaces glutamine 11 with proline.
Molecular consequence: missense variant.
Genome position (GRCh38, 1-based): chr19:726,164, A>C. VCF-style: chr19-726164-A-C. GRCh37 (hg19) VCF-style: chr19-726164-A-C.
Other names: c.32A>C, p.Gln11Pro (NM_001040134.2); short protein forms Q11P.
Identifiers: ClinVar variation 2990118 (VCV002990118.3), dbSNP rs981610291, ClinGen allele CA303932168.

ClinVar aggregate classification (germline): Uncertain significance (1 of 4 stars; one submission).

Allele frequency attached by ClinVar (database versions not stated): TOPMed below 0.00001.

Submission:

Labcorp Genetics (formerly Invitae), Labcorp
Classification: Uncertain significance. Last evaluated: 2023-06-17. Review status: criteria provided, single submitter. Criteria: Invitae Variant Classification Sherloc (09022015). Collection method: clinical testing. Allele origin: germline.
Comment: In summary, the available evidence is currently insufficient to determine the role of this variant in disease. Therefore, it has been classified as a Variant of Uncertain Significance. An algorithm developed to predict the effect of missense changes on protein structure and function (PolyPhen-2) suggests that this variant is likely to be tolerated. This variant has not been reported in the literature in individuals affected with PALM-related conditions. This variant is not present in population databases (gnomAD no frequency). This sequence change replaces glutamine, which is neutral and polar, with proline, which is neutral and non-polar, at codon 11 of the PALM protein (p.Gln11Pro).